The following is an entry in ClinVar:

NM_152618.3(BBS12):c.99A>G (p.Leu33=)

Gene: BBS12 (Bardet-Biedl syndrome 12; plus strand). Cytogenetic location: 4q27.
Variant type: single nucleotide variant.
Coding change: c.99A>G on transcript NM_152618.3 (MANE Select); coding-DNA position 99, A replaced by G.
Protein change: p.Leu33=; no amino-acid change (leucine 33 retained).
Molecular consequence: synonymous variant.
Genome position (GRCh38, 1-based): chr4:122,741,991, A>G. VCF-style: chr4-122741991-A-G. GRCh37 (hg19) VCF-style: chr4-123663146-A-G.
Other names: c.99A>G (NM_152618.2); c.99A>G, p.Leu33= (NM_001178007.2).
Identifiers: ClinVar variation 1105700 (VCV001105700.8), dbSNP rs770875217, ClinGen allele CA3069243.

ClinVar aggregate classification (germline): Likely benign. Review status: criteria provided, single submitter (1 of 4 stars). 2 submissions from 2 submitters: Likely benign (1). 1 of the submissions does not count toward it. Last evaluated 2023-07-16.

Conditions:
BBS12-related disorder. Also called: BBS12-related condition.
Bardet-Biedl syndrome (BBS). Identifiers: Orphanet 110, MedGen C0752166, MONDO:0015229.

Allele frequency attached by ClinVar (database versions not stated): gnomAD exomes below 0.00001; ExAC 0.00001.
gnomAD v4.1: 4 of 1,613,514 alleles (0.00025%); highest among the groups gnomAD compares: Non-Finnish European, 0.00034%; no homozygotes.

Submissions (2):

Labcorp Genetics (formerly Invitae), Labcorp
Classification: Likely benign for Bardet-Biedl syndrome. Last evaluated: 2023-07-16. Review status: criteria provided, single submitter. Criteria: Invitae Variant Classification Sherloc (09022015). Collection method: clinical testing. Allele origin: germline.

PreventionGenetics, part of Exact Sciences
Classification: Likely benign for BBS12-related condition. Last evaluated: 2022-11-26. Review status: no assertion criteria provided. Collection method: clinical testing. Allele origin: germline. Not counted in ClinVar's aggregate classification.
Comment: This variant is classified as likely benign based on ACMG/AMP sequence variant interpretation guidelines (Richards et al. 2015 PMID: 25741868, with internal and published modifications).